The following is an entry in ClinVar:

NM_001080512.3(BICC1):c.2411G>A (p.Arg804His)

Gene: BICC1 (BicC family RNA binding protein 1; plus strand). Cytogenetic location: 10q21.1.
Variant type: single nucleotide variant.
Coding change: c.2411G>A on transcript NM_001080512.3 (MANE Select); coding-DNA position 2411, G replaced by A.
Protein change: p.Arg804His; replaces arginine 804 with histidine.
Molecular consequence: missense variant.
Genome position (GRCh38, 1-based): chr10:58,813,864, G>A. VCF-style: chr10-58813864-G-A. GRCh37 (hg19) VCF-style: chr10-60573624-G-A.
Other names: short protein forms R804H.
Identifiers: ClinVar variation 382305 (VCV000382305.7), dbSNP rs372894085, ClinGen allele CA5508798.
Genomic context (GRCh38, chr10:58,813,864, plus strand): 5'-CCTTATCTGGCTTTGTCTGTTTACAGGGCTCATCCATGTCCCTTTCACGGTCCAACAGTC[G>A]TGAGCACTTGGGAGGTGGAAGCGAATCTGATAACTGGAGAGACCGAAATGGAATTGGACC-3'
Protein context (NP_001073981.1, residues 794-814): SSMSLSRSNS[Arg804His]EHLGGGSESD

ClinVar aggregate classification (germline): Uncertain significance. Review status: criteria provided, multiple submitters, no conflicts (2 of 4 stars). 4 submissions from 4 submitters: Uncertain significance (4). Last evaluated 2025-08-04.

Conditions:
BICC1-related disorder. Also called: BICC1-related condition.
Renal dysplasia, cystic, susceptibility to. Identifiers: MedGen C3275898, MONDO:0011037, OMIM 601331.

Allele frequency attached by ClinVar (database versions not stated): ExAC 0.00002; gnomAD exomes 0.00004 and 0.00007; ESP Exome Variant Server 0.00008; gnomAD 0.00010 and 0.00011; TOPMed 0.00013.
gnomAD v4.1: 116 of 1,613,834 alleles (0.0072%); highest among the groups gnomAD compares: African/African-American, 0.032%; no homozygotes.

Submissions (4):

PreventionGenetics, part of Exact Sciences
Classification: Uncertain significance for BICC1-related condition. Last evaluated: 2025-08-04. Review status: criteria provided, single submitter. Criteria: ACMG Guidelines, 2015. Collection method: clinical testing. Allele origin: germline.
Comment: The BICC1 c.2411G>A variant is predicted to result in the amino acid substitution p.Arg804His. To our knowledge, this variant has not been reported in the literature. This variant is reported in 0.012% of alleles in individuals of African descent in gnomAD. At this time, the clinical significance of this variant is uncertain due to the absence of conclusive functional and genetic evidence.

Labcorp Genetics (formerly Invitae), Labcorp
Classification: Uncertain significance. Last evaluated: 2024-09-15. Review status: criteria provided, single submitter. Criteria: Invitae Variant Classification Sherloc (09022015). Collection method: clinical testing. Allele origin: germline.
Comment: This sequence change replaces arginine, which is basic and polar, with histidine, which is basic and polar, at codon 804 of the BICC1 protein (p.Arg804His). This variant is present in population databases (rs372894085, gnomAD 0.009%). This variant has not been reported in the literature in individuals affected with BICC1-related conditions. ClinVar contains an entry for this variant (Variation ID: 382305). An algorithm developed to predict the effect of missense changes on protein structure and function (PolyPhen-2) suggests that this variant is likely to be disruptive. In summary, the available evidence is currently insufficient to determine the role of this variant in disease. Therefore, it has been classified as a Variant of Uncertain Significance.

Fulgent Genetics
Classification: Uncertain significance for Renal dysplasia, cystic, susceptibility to. Last evaluated: 2024-02-09. Review status: criteria provided, single submitter. Criteria: ACMG Guidelines, 2015. Collection method: clinical testing. Allele origin: germline.

GeneDx
Classification: Uncertain significance. Last evaluated: 2015-12-17. Review status: criteria provided, single submitter. Criteria: GeneDx Variant Classification (06012015). Collection method: clinical testing. Allele origin: germline. Affected: yes.
Comment: The R804H variant in the BICC1 gene has not been reported previously as a pathogenic variant, nor as a benign variant, to our knowledge. The R804H variant was not observed at any significant frequency in approximately 6500 individuals of European and African American ancestry in the NHLBI Exome Sequencing Project, indicating it is not a common benign variant in these populations. The R804H variant is a conservative amino acid substitution, which is not likely to impact secondary protein structure as these residues share similar properties. This substitution occurs at a position that is conserved across species. In silico analysis predicts this variant is probably damaging to the protein structure/function. We interpret R804H as a variant of uncertain significance.